The following is an entry in ClinVar:

ClinVar aggregate classification (germline): Likely benign (1 of 4 stars; one submission).

Allele frequency attached by ClinVar (database versions not stated): ExAC 0.00004; gnomAD 0.00020; ESP Exome Variant Server 0.00023.

Submission:

CeGaT Center for Human Genetics Tuebingen
Classification: Likely benign. Last evaluated: 2022-06-01. Review status: criteria provided, single submitter. Criteria: CeGaT Center For Human Genetics Tuebingen Variant Classification Criteria Version 2. Collection method: clinical testing. Allele origin: germline. Affected: yes. Observed: 1 variant allele.
Comment: PRB1: BP4

NR_160307.2(PRB1):n.124C>T

Gene: PRB1 (proline rich protein BstNI subfamily 1; minus strand). Cytogenetic location: 12p13.2.
Variant type: single nucleotide variant.
Molecular consequence: non-coding transcript variant (on NR_160307.2).
Genome position: GRCh38 VCF-style: chr12-11354533-G-A. GRCh37 (hg19) VCF-style: chr12-11507467-G-A.
Identifiers: ClinVar variation 2642721 (VCV002642721.24), dbSNP rs137972987, ClinGen allele CA6453226.